The following is an entry in ClinVar:

NM_001369268.1(ACAN):c.742G>A (p.Ala248Thr)

Gene: ACAN (aggrecan; plus strand). Cytogenetic location: 15q26.1.
Variant type: single nucleotide variant.
Coding change: c.742G>A on transcript NM_001369268.1 (MANE Select); coding-DNA position 742, G replaced by A.
Protein change: p.Ala248Thr; replaces alanine 248 with threonine.
Molecular consequence: missense variant.
Genome position (GRCh38, 1-based): chr15:88,841,852, G>A. VCF-style: chr15-88841852-G-A. GRCh37 (hg19) VCF-style: chr15-89385083-G-A.
Other names: c.742G>A, p.Ala248Thr (NM_001135.4, NM_001411096.1, NM_001411097.1 and 1 more transcripts); short protein forms A248T.
Identifiers: ClinVar variation 2152250 (VCV002152250.9), dbSNP rs564289325, ClinGen allele CA7719334.

ClinVar aggregate classification (germline): Uncertain significance. Review status: criteria provided, multiple submitters, no conflicts (2 of 4 stars). 3 submissions from 3 submitters: Uncertain significance (3). Last evaluated 2026-03-01.

Conditions:
Growth failure in early childhood.

Allele frequency attached by ClinVar (database versions not stated): gnomAD 0.00002; ExAC 0.00004; TOPMed 0.00005; 1000 Genomes Project 30x 0.00016; 1000 Genomes Project 0.00020.
gnomAD v4.1: 130 of 1,610,866 alleles (0.0081%); highest among the groups gnomAD compares: Non-Finnish European, 0.0094%; no homozygotes.

Submissions (3):

CeGaT Center for Human Genetics Tuebingen
Classification: Uncertain significance. Last evaluated: 2026-03-01. Review status: criteria provided, single submitter. Criteria: CeGaT Center For Human Genetics Tuebingen Variant Classification Criteria Version 2. Collection method: clinical testing. Allele origin: germline. Affected: yes. Observed: 1 variant allele.

Labcorp Genetics (formerly Invitae), Labcorp
Classification: Uncertain significance. Last evaluated: 2025-12-26. Review status: criteria provided, single submitter. Criteria: Invitae Variant Classification Sherloc (09022015). Collection method: clinical testing. Allele origin: germline.
Comment: This sequence change replaces alanine, which is neutral and non-polar, with threonine, which is neutral and polar, at codon 248 of the ACAN protein (p.Ala248Thr). This variant is present in population databases (rs564289325, gnomAD 0.01%). This missense change has been observed in individual(s) with ACAN-related conditions (PMID: 29464738, 34605228). ClinVar contains an entry for this variant (Variation ID: 2152250). Invitae Evidence Modeling of protein sequence and biophysical properties (such as structural, functional, and spatial information, amino acid conservation, physicochemical variation, residue mobility, and thermodynamic stability) indicates that this missense variant is not expected to disrupt ACAN protein function with a negative predictive value of 80%. In summary, the available evidence is currently insufficient to determine the role of this variant in disease. Therefore, it has been classified as a Variant of Uncertain Significance.

Cambridge Genomics Laboratory, East Genomic Laboratory Hub, NHS Genomic Medicine Service
Classification: Uncertain significance for Growth failure in early childhood. Last evaluated: 2024-09-10. Review status: criteria provided, single submitter. Criteria: ACGS Best Practice Guidelines for Variant Classification in Rare Disease 2020. Collection method: clinical testing. Allele origin: germline. Affected: yes.
Comment: PM2,BP4

Literature cited by the submitters: PubMed 29464738 (cited by Labcorp Genetics (formerly Invitae), Labcorp); PubMed 34605228 (cited by Labcorp Genetics (formerly Invitae), Labcorp).